The following is an entry in ClinVar:

ClinVar aggregate classification (germline): Conflicting classifications of pathogenicity. Review status: criteria provided, conflicting classifications (1 of 4 stars). 6 submissions from 5 submitters: Uncertain significance (1); Benign (4). 1 of the submissions does not count toward it. Last evaluated 2026-02-01.

Conditions:
Enhanced S-cone syndrome (ESCS). Identifiers: Orphanet 53540, MedGen C1849394, MONDO:0100288, MONDO:0009989.
Retinitis pigmentosa (RP). Identifiers: Orphanet 791, MedGen C0035334, MeSH D012174, MONDO:0019200, OMIM 268000. Inheritance: Autosomal dominant, autosomal recessive and X linked inheritance.

Allele frequency attached by ClinVar (database versions not stated): gnomAD exomes 0.00270 and 0.00553; ExAC 0.00273; gnomAD 0.00344 and 0.00382; TOPMed 0.00357; 1000 Genomes Project 0.00859; 1000 Genomes Project 30x 0.00937.

Submissions (6):

Labcorp Genetics (formerly Invitae), Labcorp
Classification: Benign. Last evaluated: 2026-02-01. Review status: criteria provided, single submitter. Criteria: Invitae Variant Classification Sherloc (09022015). Collection method: clinical testing. Allele origin: germline.

ARUP Laboratories, Molecular Genetics and Genomics, ARUP Laboratories
Classification: Benign. Last evaluated: 2020-01-14. Review status: criteria provided, single submitter. Criteria: ARUP Molecular Germline Variant Investigation Process. Collection method: clinical testing. Allele origin: germline.

Illumina Laboratory Services, Illumina
Classification: Benign for ENHANCED S-CONE SYNDROME 1. Last evaluated: 2018-01-13. Review status: criteria provided, single submitter. Criteria: ICSL Variant Classification Criteria 13 December 2019. Collection method: clinical testing. Allele origin: germline.
Comment: This variant was observed in the ICSL laboratory as part of a predisposition screen in an ostensibly healthy population. It had not been previously curated by ICSL or reported in the Human Gene Mutation Database (HGMD: prior to June 1st, 2018), and was therefore a candidate for classification through an automated scoring system. Utilizing variant allele frequency, disease prevalence and penetrance estimates, and inheritance mode, an automated score was calculated to assess if this variant is too frequent to cause the disease. Based on the score and internal cut-off values, a variant classified as benign is not then subjected to further curation. The score for this variant resulted in a classification of benign for this disease.

Illumina Laboratory Services, Illumina
Classification: Benign for Retinitis pigmentosa. Last evaluated: 2018-01-13. Review status: criteria provided, single submitter. Criteria: ICSL Variant Classification Criteria 13 December 2019. Collection method: clinical testing. Allele origin: germline.
Comment: the same text as in the submission from Illumina Laboratory Services, Illumina above.

CeGaT Center for Human Genetics Tuebingen
Classification: Uncertain significance. Last evaluated: 2017-03-01. Review status: criteria provided, single submitter. Criteria: CeGaT Center For Human Genetics Tuebingen Variant Classification Criteria Version 2. Collection method: clinical testing. Allele origin: germline. Affected: yes. Observed: 1 variant allele.

Natera, Inc.
Classification: Benign for Enhanced S cone syndrome. Last evaluated: 2020-04-17. Review status: no assertion criteria provided. Collection method: clinical testing. Allele origin: germline. Not counted in ClinVar's aggregate classification.

NM_014249.4(NR2E3):c.349+8G>A

Gene: NR2E3 (nuclear receptor subfamily 2 group E member 3; plus strand). Cytogenetic location: 15q23.
Variant type: single nucleotide variant.
Coding change: c.349+8G>A on transcript NM_014249.4 (MANE Select); 8 bases into the intron after coding-DNA position 349, G replaced by A.
Molecular consequence: intron variant.
Genome position (GRCh38, 1-based): chr15:71,811,877, G>A. VCF-style: chr15-71811877-G-A. GRCh37 (hg19) VCF-style: chr15-72104217-G-A.
Other names: c.349+8G>A (NM_016346.4).
Identifiers: ClinVar variation 317011 (VCV000317011.65), dbSNP rs112520386, ClinGen allele CA7640289.